The following is an entry in ClinVar:

NM_000306.4(POU1F1):c.*139T>A

Gene: POU1F1 (POU class 1 homeobox 1; minus strand). Cytogenetic location: 3p11.2.
Variant type: single nucleotide variant.
Coding change: c.*139T>A on transcript NM_000306.4 (MANE Select); 139 bases downstream of the stop codon, T replaced by A.
Molecular consequence: 3 prime UTR variant.
Genome position (GRCh38, 1-based): chr3:87,259,755, A>T on the plus strand (T>A on the coding strand, the complement: POU1F1 is on the minus strand). VCF-style: chr3-87259755-A-T. GRCh37 (hg19) VCF-style: chr3-87308905-A-T.
Other names: c.*139T>A (NM_001122757.3).
Identifiers: ClinVar variation 346836 (VCV000346836.8), dbSNP rs4988463, ClinGen allele CA10616754.

ClinVar aggregate classification (germline): Benign/Likely benign. Review status: criteria provided, multiple submitters, no conflicts (2 of 4 stars). 3 submissions from 3 submitters: Benign (2); Likely benign (1). Last evaluated 2021-06-19.

Conditions:
Pituitary hormone deficiency, combined, 1 (CPHD1). Also called: Pituitary hormone deficiency, combined or isolated, 1. Identifiers: MedGen C2751608, MONDO:0024464, OMIM 613038.

Allele frequency attached by ClinVar (database versions not stated): gnomAD exomes 0.12166; TOPMed 0.13103; gnomAD 0.13634 and 0.13978; 1000 Genomes Project 0.17512.
gnomAD v4.1: 86,504 of 687,338 alleles (13%); highest among the groups gnomAD compares: East Asian, 20%; 5,867 homozygotes.

Submissions (3):

GeneDx
Classification: Benign. Last evaluated: 2021-06-19. Review status: criteria provided, single submitter. Criteria: GeneDx Variant Classification Process June 2021. Collection method: clinical testing. Allele origin: germline. Affected: yes.

Illumina Laboratory Services, Illumina
Classification: Benign for Pituitary hormone deficiency, combined, 1. Last evaluated: 2018-01-13. Review status: criteria provided, single submitter. Criteria: ICSL Variant Classification Criteria 13 December 2019. Collection method: clinical testing. Allele origin: germline.
Comment: This variant was observed in the ICSL laboratory as part of a predisposition screen in an ostensibly healthy population. It had not been previously curated by ICSL or reported in the Human Gene Mutation Database (HGMD: prior to June 1st, 2018), and was therefore a candidate for classification through an automated scoring system. Utilizing variant allele frequency, disease prevalence and penetrance estimates, and inheritance mode, an automated score was calculated to assess if this variant is too frequent to cause the disease. Based on the score and internal cut-off values, a variant classified as benign is not then subjected to further curation. The score for this variant resulted in a classification of benign for this disease.

Breakthrough Genomics
Classification: Likely benign. Review status: criteria provided, single submitter. Criteria: ACMG Guidelines, 2015. Collection method: not provided. Allele origin: germline. Inheritance: Autosomal dominant inheritance. Affected: yes.